The following is an entry in ClinVar:

NM_015308.5(FNBP4):c.2008+3G>T

Gene: FNBP4 (formin binding protein 4; minus strand). Cytogenetic location: 11p11.2.
Variant type: single nucleotide variant.
Coding change: c.2008+3G>T on transcript NM_015308.5 (MANE Select); 3 bases into the intron after coding-DNA position 2008, G replaced by T.
Molecular consequence: intron variant. On other transcripts: 3 prime UTR variant (2).
Genome position (GRCh38, 1-based): chr11:47,731,371, C>A on the plus strand (G>T on the coding strand, the complement: FNBP4 is on the minus strand). VCF-style: chr11-47731371-C-A. GRCh37 (hg19) VCF-style: chr11-47752923-C-A.
Other names: c.*824G>T (NM_001441113.1, NM_001441114.1); c.1915+3G>T (NM_001441104.1); c.1684+3G>T (NM_001441106.1); c.2227+3G>T (NM_001441102.1); c.1921+3G>T (NM_001441103.1); c.1558+3G>T (NM_001441107.1); c.2014+3G>T (NM_001441108.1, NM_001318339.4, NM_001441110.1 and 1 more transcripts); c.2233+3G>T (NM_001441100.1, NM_001441101.1); and 2 more.
Identifiers: ClinVar variation 4983338 (VCV004983338.1).

ClinVar aggregate classification (germline): Likely benign (1 of 4 stars; one submission).

Conditions:
FNBP4-related disorder. Also called: FNBP4-related condition.

Submission:

PreventionGenetics, part of Exact Sciences
Classification: Likely benign for FNBP4-related condition. Last evaluated: 2024-11-19. Review status: criteria provided, single submitter. Criteria: ACMG Guidelines, 2015. Collection method: clinical testing. Allele origin: germline.
Comment: This variant is classified as likely benign based on ACMG/AMP sequence variant interpretation guidelines (Richards et al. 2015 PMID: 25741868, with internal and published modifications).